The following is an entry in ClinVar:

NM_000540.3(RYR1):c.554G>T (p.Ser185Ile)

Gene: RYR1 (ryanodine receptor 1; plus strand). Cytogenetic location: 19q13.2.
Variant type: single nucleotide variant.
Coding change: c.554G>T on transcript NM_000540.3 (MANE Select); coding-DNA position 554, G replaced by T.
Protein change: p.Ser185Ile; replaces serine 185 with isoleucine.
Molecular consequence: missense variant.
Genome position (GRCh38, 1-based): chr19:38,444,600, G>T. VCF-style: chr19-38444600-G-T. GRCh37 (hg19) VCF-style: chr19-38935240-G-T.
Other names: c.554G>T, p.Ser185Ile (NM_001042723.2); short protein forms S185I.
Identifiers: ClinVar variation 4802111 (VCV004802111.1).

ClinVar aggregate classification (germline): Uncertain significance (1 of 4 stars; one submission).

Conditions:
RYR1-related disorder. Also called: RYR1-related condition; RYR1-related disorders. Identifiers: MedGen CN239331.

Submission:

Labcorp Genetics (formerly Invitae), Labcorp
Classification: Uncertain significance for RYR1-related disorder. Last evaluated: 2025-10-08. Review status: criteria provided, single submitter. Criteria: Invitae Variant Classification Sherloc (09022015). Collection method: clinical testing. Allele origin: germline.
Comment: This sequence change replaces serine, which is neutral and polar, with isoleucine, which is neutral and non-polar, at codon 185 of the RYR1 protein (p.Ser185Ile). This variant is not present in population databases (gnomAD no frequency). This variant has not been reported in the literature in individuals affected with RYR1-related conditions. Invitae Evidence Modeling of protein sequence and biophysical properties (such as structural, functional, and spatial information, amino acid conservation, physicochemical variation, residue mobility, and thermodynamic stability) indicates that this missense variant is not expected to disrupt RYR1 protein function with a negative predictive value of 95%. In summary, the available evidence is currently insufficient to determine the role of this variant in disease. Therefore, it has been classified as a Variant of Uncertain Significance.